The following is an entry in ClinVar:

NM_001018113.3(FANCB):c.1610C>T (p.Ala537Val)

Gene: FANCB (FA complementation group B; minus strand). Cytogenetic location: Xp22.2.
Variant type: single nucleotide variant.
Coding change: c.1610C>T on transcript NM_001018113.3 (MANE Select); coding-DNA position 1610, C replaced by T.
Protein change: p.Ala537Val; replaces alanine 537 with valine.
Molecular consequence: missense variant.
Genome position (GRCh38, 1-based): chrX:14,845,173, G>A on the plus strand (C>T on the coding strand, the complement: FANCB is on the minus strand). VCF-style: chrX-14845173-G-A. GRCh37 (hg19) VCF-style: chrX-14863295-G-A.
Other names: c.1610C>T, p.Ala537Val (NM_001324162.2, NM_152633.4); short protein forms A537V.
Identifiers: ClinVar variation 1487317 (VCV001487317.7), dbSNP rs752804063, ClinGen allele CA10353028.

ClinVar aggregate classification (germline): Uncertain significance (1 of 4 stars; one submission).

Conditions:
Fanconi anemia (FA). Also called: Fanconi's anemia. Identifiers: Orphanet 84, MedGen C0015625, MeSH D005199, MONDO:0019391.

Allele frequency attached by ClinVar (database versions not stated): gnomAD exomes below 0.00001 and 0.00001; ExAC 0.00001; gnomAD 0.00002; 1000 Genomes Project 0.00053; 1000 Genomes Project 30x 0.00062.
gnomAD v4.1: 4 of 1,208,469 alleles (0.00033%); highest among the groups gnomAD compares: Admixed American, 0.0088%; no homozygotes.

Submission:

Labcorp Genetics (formerly Invitae), Labcorp
Classification: Uncertain significance for Fanconi anemia. Last evaluated: 2025-08-29. Review status: criteria provided, single submitter. Criteria: Invitae Variant Classification Sherloc (09022015). Collection method: clinical testing. Allele origin: germline.
Comment: This sequence change replaces alanine, which is neutral and non-polar, with valine, which is neutral and non-polar, at codon 537 of the FANCB protein (p.Ala537Val). This variant is present in population databases (rs752804063, gnomAD 0.004%). This variant has not been reported in the literature in individuals affected with FANCB-related conditions. ClinVar contains an entry for this variant (Variation ID: 1487317). Invitae Evidence Modeling of protein sequence and biophysical properties (such as structural, functional, and spatial information, amino acid conservation, physicochemical variation, residue mobility, and thermodynamic stability) indicates that this missense variant is not expected to disrupt FANCB protein function with a negative predictive value of 80%. In summary, the available evidence is currently insufficient to determine the role of this variant in disease. Therefore, it has been classified as a Variant of Uncertain Significance.